The following is an entry in ClinVar:

ClinVar aggregate classification (germline): Uncertain significance. Review status: criteria provided, multiple submitters, no conflicts (2 of 4 stars). 2 submissions from 2 submitters: Uncertain significance (2). Last evaluated 2026-03-23.

Conditions:
Adams-Oliver syndrome 5 (AOS5). Identifiers: Orphanet 974, MedGen C4014970, MONDO:0014459, OMIM 616028.
Familial thoracic aortic aneurysm and aortic dissection (TAAD). Also called: Thoracic aortic aneurysms and dissections. Identifiers: Orphanet 91387, MedGen C4707243, MONDO:0019625.

Allele frequency attached by ClinVar (database versions not stated): TOPMed below 0.00001; gnomAD 0.00002.
gnomAD v4.1: 3 of 1,611,824 alleles (0.00019%); highest among the groups gnomAD compares: African/African-American, 0.004%; no homozygotes.

Submissions (2):

Ambry Genetics
Classification: Uncertain significance for Familial thoracic aortic aneurysm and aortic dissection. Last evaluated: 2026-03-23. Review status: criteria provided, single submitter. Criteria: Ambry Variant Classification Scheme 2023. Collection method: clinical testing. Allele origin: germline.
Comment: The p.G92R variant (also known as c.274G>C), located in coding exon 3 of the NOTCH1 gene, results from a G to C substitution at nucleotide position 274. The glycine at codon 92 is replaced by arginine, an amino acid with dissimilar properties. This amino acid position is conserved. In addition, this alteration is predicted to be deleterious by in silico analysis. Based on the available evidence, the clinical significance of this variant remains unclear.

Labcorp Genetics (formerly Invitae), Labcorp
Classification: Uncertain significance for Adams-Oliver syndrome 5. Last evaluated: 2021-08-28. Review status: criteria provided, single submitter. Criteria: Invitae Variant Classification Sherloc (09022015). Collection method: clinical testing. Allele origin: germline.

NM_017617.5(NOTCH1):c.274G>C (p.Gly92Arg)

Gene: NOTCH1 (notch receptor 1; minus strand). Cytogenetic location: 9q34.3.
Variant type: single nucleotide variant.
Coding change: c.274G>C on transcript NM_017617.5 (MANE Select); coding-DNA position 274, G replaced by C.
Protein change: p.Gly92Arg; replaces glycine 92 with arginine.
Molecular consequence: missense variant.
Genome position (GRCh38, 1-based): chr9:136,523,846, C>G on the plus strand (G>C on the coding strand, the complement: NOTCH1 is on the minus strand). VCF-style: chr9-136523846-C-G. GRCh37 (hg19) VCF-style: chr9-139418298-C-G.
Other names: c.274G>C, p.Gly92Arg (LRG_1122t1); short protein forms G92R.
Identifiers: ClinVar variation 572627 (VCV000572627.5), dbSNP rs1397413424, ClinGen allele CA375572842.